The following is an entry in ClinVar:

ClinVar aggregate classification (germline): Pathogenic (1 of 4 stars; one submission).

Conditions:
X-linked agammaglobulinemia with growth hormone deficiency (IGHD3). Also called: AGAMMAGLOBULINEMIA AND ISOLATED GROWTH HORMONE DEFICIENCY, X-LINKED; FLEISHER SYNDROME; HYPOGAMMAGLOBULINEMIA AND ISOLATED GROWTH HORMONE DEFICIENCY, X-LINKED; IGHD III; Isolated growth hormone deficiency type 3; Growth hormone deficiency with hypogammaglobulinemia. Identifiers: Orphanet 231692, Orphanet 631, MedGen C0472813, MONDO:0010615, OMIM 307200.

Submission:

Labcorp Genetics (formerly Invitae), Labcorp
Classification: Pathogenic for X-linked agammaglobulinemia with growth hormone deficiency. Last evaluated: 2025-04-28. Review status: criteria provided, single submitter. Criteria: Invitae Variant Classification Sherloc (09022015). Collection method: clinical testing. Allele origin: germline.
Comment: This sequence change creates a premature translational stop signal (p.Lys311*) in the BTK gene. It is expected to result in an absent or disrupted protein product. Loss-of-function variants in BTK are known to be pathogenic (PMID: 15661032, 16862044, 19419768). This variant is not present in population databases (gnomAD no frequency). This variant has not been reported in the literature in individuals affected with BTK-related conditions. Algorithms developed to predict the effect of sequence changes on RNA splicing suggest that this variant may disrupt the consensus splice site. For these reasons, this variant has been classified as Pathogenic.

Literature cited by the submitters: PubMed 15661032; PubMed 16862044; PubMed 19419768.

NM_000061.3(BTK):c.931A>T (p.Lys311Ter)

Gene: BTK (Bruton tyrosine kinase; minus strand). Cytogenetic location: Xq22.1.
Variant type: single nucleotide variant.
Coding change: c.931A>T on transcript NM_000061.3 (MANE Select); coding-DNA position 931, A replaced by T.
Protein change: p.Lys311Ter; replaces lysine 311 with a stop codon.
Molecular consequence: nonsense.
Genome position (GRCh38, 1-based): chrX:101,358,660, T>A on the plus strand (A>T on the coding strand, the complement: BTK is on the minus strand). VCF-style: chrX-101358660-T-A. GRCh37 (hg19) VCF-style: chrX-100613648-T-A.
Other names: c.1033A>T, p.Lys345Ter (NM_001287344.2); c.931A>T, p.Lys311Ter (NM_001287345.2); short protein forms K345*, K311*.
Identifiers: ClinVar variation 4765204 (VCV004765204.1).